The following is an entry in ClinVar:

ClinVar aggregate classification (germline): Conflicting classifications of pathogenicity. Review status: criteria provided, conflicting classifications (1 of 4 stars). 2 submissions from 2 submitters: Uncertain significance (1); Likely benign (1). Last evaluated 2025-03-29.

Conditions:
Inborn genetic diseases. Identifiers: MedGen C0950123, MeSH D030342.

gnomAD v4.1: 11 of 1,612,790 alleles (0.00068%); highest among the groups gnomAD compares: African/African-American, 0.0013%; no homozygotes.

Submissions (2):

Ambry Genetics
Classification: Likely benign for Inborn genetic diseases. Last evaluated: 2025-03-29. Review status: criteria provided, single submitter. Criteria: Ambry Variant Classification Scheme 2023. Collection method: clinical testing. Allele origin: germline.

Labcorp Genetics (formerly Invitae), Labcorp
Classification: Uncertain significance. Last evaluated: 2024-10-03. Review status: criteria provided, single submitter. Criteria: Invitae Variant Classification Sherloc (09022015). Collection method: clinical testing. Allele origin: germline.
Comment: This sequence change replaces glycine, which is neutral and non-polar, with serine, which is neutral and polar, at codon 629 of the ASXL1 protein (p.Gly629Ser). This variant is present in population databases (rs752546076, gnomAD 0.005%). This variant has not been reported in the literature in individuals affected with ASXL1-related conditions. An algorithm developed to predict the effect of missense changes on protein structure and function (PolyPhen-2) suggests that this variant is likely to be disruptive. In summary, the available evidence is currently insufficient to determine the role of this variant in disease. Therefore, it has been classified as a Variant of Uncertain Significance.

NM_015338.6(ASXL1):c.1885G>A (p.Gly629Ser)

Gene: ASXL1 (ASXL transcriptional regulator 1; plus strand). Cytogenetic location: 20q11.21.
Variant type: single nucleotide variant.
Coding change: c.1885G>A on transcript NM_015338.6 (MANE Select); coding-DNA position 1885, G replaced by A.
Protein change: p.Gly629Ser; replaces glycine 629 with serine.
Molecular consequence: missense variant.
Genome position (GRCh38, 1-based): chr20:32,434,597, G>A. VCF-style: chr20-32434597-G-A. GRCh37 (hg19) VCF-style: chr20-31022400-G-A.
Other names: c.1702G>A, p.Gly568Ser (NM_001363734.1); short protein forms G568S, G629S.
Identifiers: ClinVar variation 3611474 (VCV003611474.3).